The following is an entry in ClinVar:

ClinVar aggregate classification (germline): Uncertain significance (1 of 4 stars; one submission).

Conditions:
Developmental and epileptic encephalopathy, 9 (DEE9). Also called: JUBERG-HELLMAN SYNDROME; Early infantile epileptic encephalopathy 9; EPILEPSY, FEMALE-RESTRICTED, WITH MENTAL RETARDATION; PCDH19-Related X-Linked Female-Limited Epilepsy with Mental Retardation. Identifiers: Orphanet 101039, Orphanet 2076, MedGen C1848137, MONDO:0010246, OMIM 300088. Disease mechanism: loss of function.

Submission:

Labcorp Genetics (formerly Invitae), Labcorp
Classification: Uncertain significance for Developmental and epileptic encephalopathy, 9. Last evaluated: 2023-04-25. Review status: criteria provided, single submitter. Criteria: Invitae Variant Classification Sherloc (09022015). Collection method: clinical testing. Allele origin: germline.
Comment: In summary, the available evidence is currently insufficient to determine the role of this variant in disease. Therefore, it has been classified as a Variant of Uncertain Significance. Advanced modeling of protein sequence and biophysical properties (such as structural, functional, and spatial information, amino acid conservation, physicochemical variation, residue mobility, and thermodynamic stability) performed at Invitae indicates that this missense variant is expected to disrupt PCDH19 protein function. This variant has not been reported in the literature in individuals affected with PCDH19-related conditions. This variant is not present in population databases (gnomAD no frequency). This sequence change replaces glutamic acid, which is acidic and polar, with glutamine, which is neutral and polar, at codon 140 of the PCDH19 protein (p.Glu140Gln).

NM_001184880.2(PCDH19):c.418G>C (p.Glu140Gln)

Gene: PCDH19 (protocadherin 19; minus strand). Cytogenetic location: Xq22.1.
Variant type: single nucleotide variant.
Coding change: c.418G>C on transcript NM_001184880.2 (MANE Select); coding-DNA position 418, G replaced by C.
Protein change: p.Glu140Gln; replaces glutamic acid 140 with glutamine.
Molecular consequence: missense variant.
Genome position (GRCh38, 1-based): chrX:100,408,180, C>G on the plus strand (G>C on the coding strand, the complement: PCDH19 is on the minus strand). VCF-style: chrX-100408180-C-G. GRCh37 (hg19) VCF-style: chrX-99663178-C-G.
Other names: c.418G>C, p.Glu140Gln (NM_001105243.2, NM_020766.3); short protein forms E140Q.
Identifiers: ClinVar variation 2805516 (VCV002805516.3), dbSNP rs2520994737, ClinGen allele CA414009787.
Genomic context (GRCh38, chrX:100,408,180, plus strand): 5'-TTCCTGAGTCTGGATCGTAAGCGCTGTCCAGCGGGATGCGCGTGCCAGGGCTGGCTGCCT[C>G]CGAGATCTCCAGCTCGATCTGTGCTGCCGGGAAACTGGGCGCATTGTCGTTCAGGTCCTT-3'
Protein context (NP_001171809.1, residues 130-150): PAAQIELEIS[Glu140Gln]AASPGTRIPL